The following is an entry in ClinVar:

NM_005422.4(TECTA):c.6050C>T (p.Ser2017Phe)

Genes: TBCEL-TECTA (TBCEL-TECTA readthrough; plus strand), TECTA (tectorin alpha; plus strand). Cytogenetic location: 11q23.3.
Variant type: single nucleotide variant.
Coding change: c.6050C>T on transcript NM_005422.4 (MANE Select); coding-DNA position 6050, C replaced by T.
Protein change: p.Ser2017Phe; replaces serine 2017 with phenylalanine.
Molecular consequence: missense variant.
Genome position (GRCh38, 1-based): chr11:121,187,882, C>T. VCF-style: chr11-121187882-C-T. GRCh37 (hg19) VCF-style: chr11-121058591-C-T.
Other names: c.6992C>T, p.Ser2331Phe (NM_001378761.1); short protein forms S2331F, S2017F.
Identifiers: ClinVar variation 4709904 (VCV004709904.1).

ClinVar aggregate classification (germline): Uncertain significance (1 of 4 stars; one submission).

Submission:

Labcorp Genetics (formerly Invitae), Labcorp
Classification: Uncertain significance. Last evaluated: 2025-12-30. Review status: criteria provided, single submitter. Criteria: Invitae Variant Classification Sherloc (09022015). Collection method: clinical testing. Allele origin: germline.
Comment: This sequence change replaces serine, which is neutral and polar, with phenylalanine, which is neutral and non-polar, at codon 2017 of the TECTA protein (p.Ser2017Phe). This variant is not present in population databases (gnomAD no frequency). This missense change has been observed in individual(s) with autosomal dominant deafness (PMID: 26969326; internal data). Invitae Evidence Modeling of protein sequence and biophysical properties (such as structural, functional, and spatial information, amino acid conservation, physicochemical variation, residue mobility, and thermodynamic stability) has been performed for this missense variant. However, the output from this modeling did not meet the statistical confidence thresholds required to predict the impact of this variant on TECTA protein function. This variant disrupts the p.Ser2017 amino acid residue in TECTA. Other variant(s) that disrupt this residue have been observed in individuals with TECTA-related conditions (PMID: 28946916; internal data), which suggests that this may be a clinically significant amino acid residue. In summary, the available evidence is currently insufficient to determine the role of this variant in disease. Therefore, it has been classified as a Variant of Uncertain Significance.

Literature cited by the submitters: PubMed 26969326; PubMed 28946916.